The following is an entry in ClinVar:

NM_001378615.1(CC2D2A):c.77_83del (p.Arg26fs)

Genes: CC2D2A (coiled-coil and C2 domain containing 2A; plus strand), FBXL5 (F-box and leucine rich repeat protein 5; minus strand). Cytogenetic location: 4p15.32.
Variant type: Deletion.
Coding change: c.77_83del on transcript NM_001378615.1 (MANE Select); coding-DNA positions 77 to 83, 7 bases deleted (GACAGAA; older notation c.77_83delGACAGAA).
Protein change: p.Arg26fs; shifts the reading frame from arginine 26.
Molecular consequence: frameshift variant.
Genome position (GRCh38, 1-based): chr4:15,478,760-15,478,766, GACAGAA deleted; deleting any 7 consecutive bases within chr4:15,478,757-15,478,766 gives the same sequence; the c. name uses the placement nearest the transcript's 3' end. VCF-style (leftmost placement, unchanged base first): chr4-15478756-GGAAGACA-G. GRCh37 (hg19) VCF-style: chr4-15480380-GGAAGACA-G.
Other names: c.77_83del, p.Arg26fs (NM_001080522.2, NM_001164720.3, NM_020785.2); short protein forms R26fs.
Identifiers: ClinVar variation 2938787 (VCV002938787.3), dbSNP rs1443329727, ClinGen allele CA789368113.

ClinVar aggregate classification (germline): Pathogenic (1 of 4 stars; one submission).

Conditions:
Joubert syndrome. Also called: JOUBERT-BOLTSHAUSER SYNDROME; Familial aplasia of the vermis. Identifiers: Orphanet 475, MedGen C5979921, MONDO:0018772.
Meckel-Gruber syndrome. Also called: DYSENCEPHALIA SPLANCHNOCYSTICA; GRUBER SYNDROME; Dysencephalia splachnocystica. Identifiers: Orphanet 564, MedGen C0265215, MONDO:0018921.

Submission:

Labcorp Genetics (formerly Invitae), Labcorp
Classification: Pathogenic for Joubert syndrome; Meckel-Gruber syndrome. Last evaluated: 2025-06-12. Review status: criteria provided, single submitter. Criteria: Invitae Variant Classification Sherloc (09022015). Collection method: clinical testing. Allele origin: germline.
Comment: This sequence change creates a premature translational stop signal (p.Arg26Ilefs*46) in the CC2D2A gene. It is expected to result in an absent or disrupted protein product. Loss-of-function variants in CC2D2A are known to be pathogenic (PMID: 19777577). This variant is not present in population databases (gnomAD no frequency). This variant has not been reported in the literature in individuals affected with CC2D2A-related conditions. ClinVar contains an entry for this variant (Variation ID: 2938787). For these reasons, this variant has been classified as Pathogenic.

Literature cited by the submitters: PubMed 19777577.